The following is an entry in ClinVar:

ClinVar aggregate classification (germline): Likely benign (0 of 4 stars; one submission).

Conditions:
IPO8-related disorder. Also called: IPO8-related condition.

Submission:

PreventionGenetics, part of Exact Sciences
Classification: Likely benign for IPO8-related condition. Last evaluated: 2023-01-26. Review status: no assertion criteria provided. Collection method: clinical testing. Allele origin: germline.
Comment: This variant is classified as likely benign based on ACMG/AMP sequence variant interpretation guidelines (Richards et al. 2015 PMID: 25741868, with internal and published modifications).

NM_006390.4(IPO8):c.2268+4A>G

Gene: IPO8 (importin 8; minus strand). Cytogenetic location: 12p11.21.
Variant type: single nucleotide variant.
Coding change: c.2268+4A>G on transcript NM_006390.4 (MANE Select); 4 bases into the intron after coding-DNA position 2268, A replaced by G.
Molecular consequence: intron variant.
Genome position (GRCh38, 1-based): chr12:30,649,133, T>C on the plus strand (A>G on the coding strand, the complement: IPO8 is on the minus strand). VCF-style: chr12-30649133-T-C. GRCh37 (hg19) VCF-style: chr12-30802067-T-C.
Other names: c.1653+4A>G (NM_001190995.2).
Identifiers: ClinVar variation 3052977 (VCV003052977.2), dbSNP rs2497989637, ClinGen allele CA2740092350.
Genomic context (GRCh38, chr12:30,649,133, plus strand): 5'-GTCAAGCAGGCATGTAAACTTCAAATGTAACCCTCAAGTAAGGCACTTTCCAGACATATA[T>C]TACCTGATCAATTCCCCTTCCTTTGCACTGAAGAATGATGACTTCCAGAAGTTTAGCTGC-3'